The following is an entry in ClinVar:

ClinVar aggregate classification (germline): Uncertain significance. Review status: criteria provided, single submitter (1 of 4 stars). 2 submissions from 2 submitters: Uncertain significance (1). 1 of the submissions does not count toward it. Last evaluated 2024-10-16.

Conditions:
Immunodeficiency 104. Also called: SCID, AUTOSOMAL RECESSIVE, T CELL-NEGATIVE, B CELL-POSITIVE, NK CELL-POSITIVE; IMMUNODEFICIENCY 104, SEVERE COMBINED; Severe combined immunodeficiency, autosomal recessive, T cell-negative, B cell-positive, NK cell-positive; Severe Combined Immune Deficiency, Autosomal Recessive, TCell -Negative, B Cell-Positive, NK Cell-Positive, IL7R-Related. Identifiers: MedGen C5676890, MONDO:0012163, OMIM 608971.

Allele frequency attached by ClinVar (database versions not stated): gnomAD exomes 0.00001.
gnomAD v4.1: 5 of 1,610,764 alleles (0.00031%); highest among the groups gnomAD compares: Non-Finnish European, 0.00042%; no homozygotes.

Submissions (2):

Labcorp Genetics (formerly Invitae), Labcorp
Classification: Uncertain significance for Immunodeficiency 104. Last evaluated: 2024-10-16. Review status: criteria provided, single submitter. Criteria: Invitae Variant Classification Sherloc (09022015). Collection method: clinical testing. Allele origin: germline.
Comment: This sequence change replaces aspartic acid, which is acidic and polar, with tyrosine, which is neutral and polar, at codon 1010 of the PTPRC protein (p.Asp1010Tyr). This variant is not present in population databases (gnomAD no frequency). This variant has not been reported in the literature in individuals affected with PTPRC-related conditions. ClinVar contains an entry for this variant (Variation ID: 1050201). An algorithm developed to predict the effect of missense changes on protein structure and function (PolyPhen-2) suggests that this variant is likely to be disruptive. In summary, the available evidence is currently insufficient to determine the role of this variant in disease. Therefore, it has been classified as a Variant of Uncertain Significance.

Department of Pathology and Laboratory Medicine, Sinai Health System
Classification: Uncertain significance. Review status: no assertion criteria provided. Collection method: clinical testing. Allele origin: unknown. Affected: yes. Study: The Canadian Open Genetics Repository (COGR). Not counted in ClinVar's aggregate classification.

NM_002838.5(PTPRC):c.3028G>T (p.Asp1010Tyr)

Gene: PTPRC (protein tyrosine phosphatase receptor type C; plus strand). Cytogenetic location: 1q32.1.
Variant type: single nucleotide variant.
Coding change: c.3028G>T on transcript NM_002838.5 (MANE Select); coding-DNA position 3028, G replaced by T.
Protein change: p.Asp1010Tyr; replaces aspartic acid 1010 with tyrosine.
Molecular consequence: missense variant.
Genome position (GRCh38, 1-based): chr1:198,749,505, G>T. VCF-style: chr1-198749505-G-T. GRCh37 (hg19) VCF-style: chr1-198718634-G-T.
Other names: c.2545G>T, p.Asp849Tyr (NM_080921.4); short protein forms D1010Y, D849Y.
Identifiers: ClinVar variation 1050201 (VCV001050201.4), dbSNP rs2102538291, ClinGen allele CA344053327.